The following is an entry in ClinVar:

ClinVar aggregate classification (germline): Conflicting classifications of pathogenicity. Review status: criteria provided, conflicting classifications (1 of 4 stars). 7 submissions from 7 submitters: Pathogenic (1); Likely pathogenic (4); Uncertain significance (1). 1 of the submissions does not count toward it. Last evaluated 2026-01-26.

Conditions:
Glucose-6-phosphate transport defect (GSD1B). Also called: Glycogen Storage Disease Type Ib; GSD Ib. Identifiers: Orphanet 364, Orphanet 79259, MedGen C0268146, MONDO:0009288, OMIM 232220.

Allele frequency attached by ClinVar (database versions not stated): TOPMed 0.00001; gnomAD 0.00002; ExAC 0.00005; gnomAD exomes 0.00006 and 0.00007.

Submissions (7):

Labcorp Genetics (formerly Invitae), Labcorp
Classification: Likely pathogenic for Glucose-6-phosphate transport defect. Last evaluated: 2026-01-26. Review status: criteria provided, single submitter. Criteria: Invitae Variant Classification Sherloc (09022015). Collection method: clinical testing. Allele origin: germline.
Comment: This sequence change replaces alanine, which is neutral and non-polar, with threonine, which is neutral and polar, at codon 367 of the SLC37A4 protein (p.Ala367Thr). This variant is present in population databases (rs80356492, gnomAD 0.02%). This missense change has been observed in individuals with autosomal recessive glycogen storage disease (PMID: 10518030, 10923042, 32300528). This variant is also known as c.1268G>A. ClinVar contains an entry for this variant (Variation ID: 21298). Invitae Evidence Modeling of protein sequence and biophysical properties (such as structural, functional, and spatial information, amino acid conservation, physicochemical variation, residue mobility, and thermodynamic stability) indicates that this missense variant is expected to disrupt SLC37A4 protein function with a positive predictive value of 80%. Experimental studies have shown that this missense change affects SLC37A4 function (PMID: 12444104, 18835800). In summary, the currently available evidence indicates that the variant is pathogenic, but additional data are needed to prove that conclusively. Therefore, this variant has been classified as Likely Pathogenic.

Natera, Inc.
Classification: Likely pathogenic for Glycogen storage disease type Ib. Last evaluated: 2025-09-30. Review status: criteria provided, single submitter. Criteria: Natera Variant Classification Schema (03/2026). Collection method: clinical testing. Allele origin: germline.
Comment: The c.1099G>A variant in SLC37A4 is a missense variant predicted to cause substitution of alanine to threonine at amino acid 367. This variant is rare in the general population with a frequency below the threshold expected for the associated phenotype(s). This variant has been observed in one or more individuals affected with the associated recessive disease, as either homozygous or compound heterozygous with a second variant (PMID: 10518030, 10923042, 32300528). Functional studies show that this variant may disrupt protein function (PMID: 12444104). Computational prediction algorithms indicate this variant is likely to affect gene or protein function. Given the available evidence, this variant is classified as Likely Pathogenic.

Baylor Genetics
Classification: Pathogenic for Glucose-6-phosphate transport defect. Last evaluated: 2024-03-19. Review status: criteria provided, single submitter. Criteria: ACMG Guidelines, 2015. Collection method: clinical testing. Allele origin: unknown.

Women's Health and Genetics/Laboratory Corporation of America, LabCorp
Classification: Likely pathogenic for Glucose-6-phosphate transport defect. Last evaluated: 2023-01-06. Review status: criteria provided, single submitter. Criteria: LabCorp Variant Classification Summary - May 2015. Collection method: clinical testing. Allele origin: germline.
Comment: Variant summary: SLC37A4 c.1099G>A (p.Ala367Thr) results in a non-conservative amino acid change located in the Major facilitator superfamily domain (IPR020846) of the encoded protein sequence. Three of three in-silico tools predict a damaging effect of the variant on protein function. The variant allele was found at a frequency of 5.6e-05 in 248140 control chromosomes. This frequency is not significantly higher than estimated for a pathogenic variant in SLC37A4 causing Glycogen Storage Disease Type Ib (5.6e-05 vs 0.0012), allowing no conclusion about variant significance. c.1099G>A has been reported in the literature as a compound heterozygous genotype in individuals affected with Glycogen Storage Disease Type Ib (example, Galli_1999, Santer_2000, Trioche_2004, Melis_2005, Wicker_2020). These data indicate that the variant is likely to be associated with disease. At least one publication reports experimental evidence evaluating an impact on protein function. The most pronounced variant effect results in 23% of normal Microsomal G6P uptake activity in vitro (example, Chen_2002). Three clinical diagnostic laboratories have submitted clinical-significance assessments for this variant to ClinVar after 2014 without evidence for independent evaluation (VUS, n=2; Likely pathogenic, n=1). Based on the evidence outlined above, the variant was classified as likely pathogenic.

Myriad Genetics, Inc.
Classification: Likely pathogenic for Glucose-6-phosphate transport defect. Last evaluated: 2021-11-01. Review status: criteria provided, single submitter. Criteria: Myriad Women's Health Autosomal Recessive and X-Linked Classification Criteria (2021). Collection method: clinical testing. Allele origin: unknown.
Comment: NM_001164277.1(SLC37A4):c.1099G>A(A367T) is a missense variant classified as likely pathogenic in the context of glycogen storage disease type Ib. A367T has been observed in cases with relevant disease (PMID: 15669677, 15906092, 10923042, 32300528, Savostyanov_2017_(no PMID; article), Odlotilova_2013_(no PMID; thesis)). Functional assessments of this variant are available in the literature (PMID: 12444104, 18835800, 21983240). A367T has been observed in population frequency databases (gnomAD: SAS 0.02%). In summary, NM_001164277.1(SLC37A4):c.1099G>A(A367T) is a missense variant that has been observed more frequently in cases with the relevant disease than in healthy populations. Please note: this variant was assessed in the context of healthy population screening.

Eurofins Ntd Llc (ga)
Classification: Uncertain significance. Last evaluated: 2017-02-03. Review status: criteria provided, single submitter. Criteria: EGL Classification Definitions 2015. Collection method: clinical testing. Allele origin: germline. Observed: 2 variant alleles, 2 heterozygotes.

UniProtKB/Swiss-Prot
No classification provided. Review status: no classification provided. Collection method: not provided. Allele origin: not provided. Not counted in ClinVar's aggregate classification.

Literature cited by the submitters: PubMed 10518030 (cited by 4 submitters); PubMed 10923042 (cited by 4 submitters); PubMed 32300528 (cited by 4 submitters); PubMed 12444104 (cited by 4 submitters); PubMed 18835800 (cited by 3 submitters); PubMed 32884905 (cited by Women's Health and Genetics/Laboratory Corporation of America, LabCorp); PubMed 15906092 (cited by Women's Health and Genetics/Laboratory Corporation of America, LabCorp and Myriad Genetics, Inc.); PubMed 15669677 (cited by Women's Health and Genetics/Laboratory Corporation of America, LabCorp and Myriad Genetics, Inc.); PubMed 21983240 (cited by Myriad Genetics, Inc. and Eurofins Ntd Llc (ga)).

NM_001164277.2(SLC37A4):c.1099G>A (p.Ala367Thr)

Gene: SLC37A4 (solute carrier family 37 member 4; minus strand). Cytogenetic location: 11q23.3.
Variant type: single nucleotide variant.
Coding change: c.1099G>A on transcript NM_001164277.2 (MANE Select); coding-DNA position 1099, G replaced by A.
Protein change: p.Ala367Thr; replaces alanine 367 with threonine.
Molecular consequence: missense variant.
Genome position (GRCh38, 1-based): chr11:119,025,215, C>T on the plus strand (G>A on the coding strand, the complement: SLC37A4 is on the minus strand). VCF-style: chr11-119025215-C-T. GRCh37 (hg19) VCF-style: chr11-118895925-C-T.
Other names: c.1165G>A, p.Ala389Thr (NM_001164278.2); c.880G>A, p.Ala294Thr (NM_001164279.2); c.1099G>A, p.Ala367Thr (NM_001164280.2, NM_001467.6); short protein forms A367T, A389T, A294T.
Identifiers: ClinVar variation 21298 (VCV000021298.22), dbSNP rs80356492, ClinGen allele CA219278.